The following is an entry in ClinVar:

NM_001367624.2(ZNF469):c.584A>C (p.Asn195Thr)

Gene: ZNF469 (zinc finger protein 469; plus strand). Cytogenetic location: 16q24.2.
Variant type: single nucleotide variant.
Coding change: c.584A>C on transcript NM_001367624.2 (MANE Select); coding-DNA position 584, A replaced by C.
Protein change: p.Asn195Thr; replaces asparagine 195 with threonine.
Molecular consequence: missense variant.
Genome position (GRCh38, 1-based): chr16:88,428,054, A>C. VCF-style: chr16-88428054-A-C. GRCh37 (hg19) VCF-style: chr16-88494462-A-C.
Other names: NM_001127464.1:c.584A>C; short protein forms N195T.
Identifiers: ClinVar variation 1750050 (VCV001750050.8), dbSNP rs1277050912, ClinGen allele CA397060914.

ClinVar aggregate classification (germline): Uncertain significance. Review status: criteria provided, multiple submitters, no conflicts (2 of 4 stars). 2 submissions from 2 submitters: Uncertain significance (2). Last evaluated 2024-12-19.

Conditions:
Cardiovascular phenotype. Identifiers: MedGen CN230736.

Allele frequency attached by ClinVar (database versions not stated): TOPMed below 0.00001.
gnomAD v4.1: 57 of 1,549,014 alleles (0.0037%); highest among the groups gnomAD compares: Non-Finnish European, 0.005%; no homozygotes.

Submissions (2):

Ambry Genetics
Classification: Uncertain significance for Cardiovascular phenotype. Last evaluated: 2024-12-19. Review status: criteria provided, single submitter. Criteria: Ambry Variant Classification Scheme 2023. Collection method: clinical testing. Allele origin: germline.
Comment: The p.N195T variant (also known as c.584A>C), located in coding exon 1 of the ZNF469 gene, results from an A to C substitution at nucleotide position 584. The asparagine at codon 195 is replaced by threonine, an amino acid with similar properties. This amino acid position is conserved. In addition, this alteration is predicted to be tolerated by in silico analysis. Since supporting evidence is limited at this time, the clinical significance of this alteration remains unclear.

Labcorp Genetics (formerly Invitae), Labcorp
Classification: Uncertain significance. Last evaluated: 2022-04-18. Review status: criteria provided, single submitter. Criteria: Invitae Variant Classification Sherloc (09022015). Collection method: clinical testing. Allele origin: germline.
Comment: In summary, the available evidence is currently insufficient to determine the role of this variant in disease. Therefore, it has been classified as a Variant of Uncertain Significance. Algorithms developed to predict the effect of missense changes on protein structure and function are either unavailable or do not agree on the potential impact of this missense change (SIFT: "Deleterious"; PolyPhen-2: "Benign"; Align-GVGD: "Class C0"). This variant has not been reported in the literature in individuals affected with ZNF469-related conditions. This variant is present in population databases (no rsID available, gnomAD 0.002%). This sequence change replaces asparagine, which is neutral and polar, with threonine, which is neutral and polar, at codon 195 of the ZNF469 protein (p.Asn195Thr).